The following is an entry in ClinVar:

ClinVar aggregate classification (germline): Conflicting classifications of pathogenicity. Review status: criteria provided, conflicting classifications (1 of 4 stars). 2 submissions from 2 submitters: Uncertain significance (1); Likely benign (1). Last evaluated 2026-01-25.

Conditions:
Cardiovascular phenotype. Identifiers: MedGen CN230736.
Myofibrillar myopathy 4. Also called: Zaspopathy (type). Identifiers: Orphanet 98912, MedGen C4721886, MONDO:0012277, OMIM 609452.

Allele frequency attached by ClinVar (database versions not stated): TOPMed 0.00001; ExAC 0.00002.
gnomAD v4.1: 64 of 1,613,214 alleles (0.004%); highest among the groups gnomAD compares: Non-Finnish European, 0.0053%; no homozygotes.

Submissions (2):

Labcorp Genetics (formerly Invitae), Labcorp
Classification: Uncertain significance for Myofibrillar myopathy 4. Last evaluated: 2026-01-25. Review status: criteria provided, single submitter. Criteria: Invitae Variant Classification Sherloc (09022015). Collection method: clinical testing. Allele origin: germline.
Comment: The LDB3 gene has multiple clinically relevant transcripts. This variant occurs in alternate transcript NM_007078.3, and corresponds to NM_001080116.1:c.321+1482G>C in the primary transcript. This sequence change replaces glutamic acid, which is acidic and polar, with aspartic acid, which is acidic and polar, at codon 175 of the LDB3 protein (p.Glu175Asp). This variant is present in population databases (rs757099637, gnomAD 0.005%). This variant has not been reported in the literature in individuals affected with LDB3-related conditions. ClinVar contains an entry for this variant (Variation ID: 761489). Experimental studies and prediction algorithms are not available or were not evaluated, and the functional significance of this variant is currently unknown. Algorithms developed to predict the effect of sequence changes on RNA splicing suggest that this variant is not likely to affect RNA splicing. In summary, the available evidence is currently insufficient to determine the role of this variant in disease. Therefore, it has been classified as a Variant of Uncertain Significance.

Ambry Genetics
Classification: Likely benign for Cardiovascular phenotype. Last evaluated: 2025-08-03. Review status: criteria provided, single submitter. Criteria: Ambry Variant Classification Scheme 2023. Collection method: clinical testing. Allele origin: germline.

NM_007078.3(LDB3):c.525G>C (p.Glu175Asp)

Gene: LDB3 (LIM domain binding 3; plus strand). Cytogenetic location: 10q23.2.
Variant type: single nucleotide variant.
Coding change: c.525G>C on transcript NM_007078.3 (MANE Select); coding-DNA position 525, G replaced by C.
Protein change: p.Glu175Asp; replaces glutamic acid 175 with aspartic acid.
Molecular consequence: missense variant. On other transcripts: intron variant (5).
Genome position (GRCh38, 1-based): chr10:86,681,639, G>C. VCF-style: chr10-86681639-G-C. GRCh37 (hg19) VCF-style: chr10-88441396-G-C.
Other names: c.321+1482G>C (NM_001080116.1, NM_001368068.1, NM_001368066.1 and 2 more transcripts); c.525G>C, p.Glu175Asp (NM_001080115.2, NM_001171610.2, NM_001171611.2 and 3 more transcripts); c.525G>C (NM_007078.2); short protein forms E175D.
Identifiers: ClinVar variation 761489 (VCV000761489.12), dbSNP rs757099637, ClinGen allele CA5584726.